The following is an entry in ClinVar:

NM_001374736.1(DST):c.3068A>G (p.Asn1023Ser)

Gene: DST (dystonin; minus strand). Cytogenetic location: 6p12.1.
Variant type: single nucleotide variant.
Coding change: c.3068A>G on transcript NM_001374736.1 (MANE Select); coding-DNA position 3068, A replaced by G.
Protein change: p.Asn1023Ser; replaces asparagine 1023 with serine.
Molecular consequence: missense variant.
Genome position (GRCh38, 1-based): chr6:56,635,707, T>C on the plus strand (A>G on the coding strand, the complement: DST is on the minus strand). VCF-style: chr6-56635707-T-C. GRCh37 (hg19) VCF-style: chr6-56500505-T-C.
Other names: c.2969A>G, p.Asn990Ser (NM_001144769.5); c.2555A>G, p.Asn852Ser (NM_001144770.2); c.3068A>G, p.Asn1023Ser (NM_001374722.1); c.2435A>G, p.Asn812Ser (NM_001374729.1, NM_001374730.1, NM_001386100.1 and 1 more transcripts); c.3095A>G, p.Asn1032Ser (NM_001374734.1); c.1457A>G, p.Asn486Ser (NM_001723.7, NM_015548.5); short protein forms N1023S, N1032S, N486S, N812S, N852S, N990S.
Identifiers: ClinVar variation 1915905 (VCV001915905.5), dbSNP rs1175229223, ClinGen allele CA364576808.

ClinVar aggregate classification (germline): Uncertain significance (1 of 4 stars; one submission).

Conditions:
Hereditary sensory and autonomic neuropathy type 6. Also called: HSAN VI; Neuropathy, hereditary sensory and autonomic, type VI. Identifiers: Orphanet 314381, MedGen C3539003, MONDO:0013839, OMIM 614653.
Epidermolysis bullosa simplex 3, localized or generalized intermediate, with BP230 deficiency (EBS3). Also called: Epidermolysis bullosa simplex, autosomal recessive 2; Epidermolysis bullosa simplex due to BP230 deficiency. Identifiers: Orphanet 412181, MedGen C3809470, MONDO:0014180, OMIM 615425.

Allele frequency attached by ClinVar (database versions not stated): gnomAD exomes below 0.00001.
gnomAD v4.1: 4 of 1,613,694 alleles (0.00025%); highest among the groups gnomAD compares: Non-Finnish European, 0.00025%; no homozygotes.

Submission:

Labcorp Genetics (formerly Invitae), Labcorp
Classification: Uncertain significance for Epidermolysis bullosa simplex 3, localized or generalized intermediate, with BP230 deficiency; Hereditary sensory and autonomic neuropathy type 6. Last evaluated: 2022-03-31. Review status: criteria provided, single submitter. Criteria: Invitae Variant Classification Sherloc (09022015). Collection method: clinical testing. Allele origin: germline.
Comment: This sequence change replaces asparagine, which is neutral and polar, with serine, which is neutral and polar, at codon 486 of the DST protein (p.Asn486Ser). This variant is present in population databases (no rsID available, gnomAD 0.0009%). This variant has not been reported in the literature in individuals affected with DST-related conditions. Algorithms developed to predict the effect of missense changes on protein structure and function output the following: SIFT: "Tolerated"; PolyPhen-2: "Benign"; Align-GVGD: "Class C0". The serine amino acid residue is found in multiple mammalian species, which suggests that this missense change does not adversely affect protein function. Algorithms developed to predict the effect of sequence changes on RNA splicing suggest that this variant may disrupt the consensus splice site. In summary, the available evidence is currently insufficient to determine the role of this variant in disease. Therefore, it has been classified as a Variant of Uncertain Significance.